The following is an entry in ClinVar:

NM_003106.4(SOX2):c.227G>A (p.Gly76Asp)

Genes: SOX2 (SRY-box transcription factor 2; plus strand), SOX2-OT (SOX2 overlapping transcript; plus strand), LOC108281177 (SOX2 5' regulatory region; plus strand). Cytogenetic location: 3q26.33.
Variant type: single nucleotide variant.
Coding change: c.227G>A on transcript NM_003106.4 (MANE Select); coding-DNA position 227, G replaced by A.
Protein change: p.Gly76Asp; replaces glycine 76 with aspartic acid.
Molecular consequence: missense variant.
Genome position (GRCh38, 1-based): chr3:181,712,587, G>A. VCF-style: chr3-181712587-G-A. GRCh37 (hg19) VCF-style: chr3-181430375-G-A.
Other names: short protein forms G76D.
Identifiers: ClinVar variation 1683930 (VCV001683930.2), dbSNP rs2108521859, ClinGen allele CA355473411.

ClinVar aggregate classification (germline): Likely pathogenic (1 of 4 stars; one submission).

Submission:

GeneDx
Classification: Likely pathogenic. Last evaluated: 2022-05-03. Review status: criteria provided, single submitter. Criteria: GeneDx Variant Classification Process June 2021. Collection method: clinical testing. Allele origin: germline. Affected: yes.
Comment: Not observed at significant frequency in large population cohorts (gnomAD); In silico analysis supports that this missense variant has a deleterious effect on protein structure/function; Has not been previously published as pathogenic or benign to our knowledge